The following is an entry in ClinVar:

NM_001278116.2(L1CAM):c.2834_2846delinsT (p.Asn945_Thr949delinsIle)

Gene: L1CAM (L1 cell adhesion molecule; minus strand). Cytogenetic location: Xq28.
Variant type: Indel.
Coding change: c.2834_2846delinsT on transcript NM_001278116.2 (MANE Select); coding-DNA positions 2834 to 2846, ACGGCGTGCTCAC replaced by T.
Protein change: p.Asn945_Thr949delinsIle.
Molecular consequence: inframe indel.
Genome position (GRCh38, 1-based): chrX:153,865,114-153,865,126, GTGAGCACGCCGT replaced by A on the plus strand (ACGGCGTGCTCAC replaced by T on the coding strand, the reverse complement: L1CAM is on the minus strand). VCF-style: chrX-153865114-GTGAGCACGCCGT-A. GRCh37 (hg19) VCF-style: chrX-153130569-GTGAGCACGCCGT-A.
Other names: c.2834_2846delinsT, p.Asn945_Thr949delinsIle (NM_024003.3, NM_000425.5); c.2819_2831delinsT, p.Asn940_Thr944delinsIle (NM_001143963.2).
Identifiers: ClinVar variation 4813464 (VCV004813464.1).

ClinVar aggregate classification (germline): Uncertain significance (1 of 4 stars; one submission).

Conditions:
X-linked hydrocephalus syndrome (HYCX). Also called: AQUEDUCTAL STENOSIS, X-LINKED; X-Linked Hydrocephalus with Stenosis of the Aqueduct of Sylvius; X-linked hydrocephalus; X-Linked Hydrocephalus with Stenosis of the Aqueduct of Sylvius (HSAS); HYDROCEPHALUS, CONGENITAL, X-LINKED. Identifiers: Orphanet 2182, MedGen C0265216, MONDO:0010611, OMIM 307000.

Submission:

MVZ Praenatalmedizin und Genetik Nuernberg
Classification: Uncertain significance for X-linked hydrocephalus syndrome. Last evaluated: 2025-05-09. Review status: criteria provided, single submitter. Criteria: ACMG Guidelines, 2015. Collection method: clinical testing. Allele origin: maternal. Affected: yes.
Comment: The variant leads to the insertion of 1 base pair in exon 22 of 29 of the L1CAM gene. As a result, 5 amino acids (NGVLT) in the fibronectin type III-4 domain of the protein are replaced by 1 alternative amino acid (I) (p.(Asn945_Thr949delinsIle)), This does not alter the reading frame. The change has not yet been listed in the ClinVar database nor described in the literature. There is no entry in the population-based database gnomADv4. In 1997, a family with X-linked hydrocephalus was found to have an overlapping but larger deletion of 13 amino acids in close proximity to the change detected here (LRWQPPLSHNGVL, c.2805_2843del39, p.(Leu936_Leu948del); identical nomenclature for alternative isoform NM_000425.3 corresponds to exon 21; PMID: 9195224). The affected children showed ventriculomegaly, intellectual disability, spastic paraplegia, and adducted thumbs. Two of the four affected children died before the age of one. At the time, a pathogenic effect was postulated due to the loss of structurally important amino acid residues or due to a disruption of L1 ligand binding. Whether the smaller deletion detected here has a similar effect cannot be conclusively clarified at this time. Based on the current data, we therefore believe that this is a variant with unclear significance with a pathogenic tendency.

Literature cited by the submitters: PubMed 9195224.